The following is an entry in ClinVar:

NM_001377.3(DYNC2H1):c.10134del (p.Phe3378fs)

Gene: DYNC2H1 (dynein cytoplasmic 2 heavy chain 1; plus strand). Cytogenetic location: 11q22.3.
Variant type: Deletion.
Coding change: c.10134del on transcript NM_001377.3 (MANE Select); coding-DNA position 10134, one base deleted (T; older notation c.10134delT).
Protein change: p.Phe3378fs; shifts the reading frame from phenylalanine 3378.
Molecular consequence: frameshift variant.
Genome position (GRCh38, 1-based): chr11:103,253,376, T deleted; the last of 4 consecutive T bases (chr11:103,253,373-103,253,376); deleting any one gives the same sequence. VCF-style (leftmost placement, unchanged base first): chr11-103253372-CT-C. GRCh37 (hg19) VCF-style: chr11-103124101-CT-C.
Other names: c.10155del, p.Phe3385fs (NM_001080463.2); short protein forms F3385fs, F3378fs.
Identifiers: ClinVar variation 3677905 (VCV003677905.2).

ClinVar aggregate classification (germline): Pathogenic (1 of 4 stars; one submission).

Conditions:
Jeune thoracic dystrophy. Also called: Jeune syndrome; Infantile thoracic dystrophy; Thoracic pelvic phalangeal dystrophy; Jeune's syndrome; Chondroectodermal dysplasia-like syndrome; Short-rib thoracic dysplasia. Identifiers: Orphanet 474, MedGen C0265275, MONDO:0018770.

Submission:

Labcorp Genetics (formerly Invitae), Labcorp
Classification: Pathogenic for Jeune thoracic dystrophy. Last evaluated: 2024-02-05. Review status: criteria provided, single submitter. Criteria: Invitae Variant Classification Sherloc (09022015). Collection method: clinical testing. Allele origin: germline.
Comment: This sequence change creates a premature translational stop signal (p.Phe3385Leufs*27) in the DYNC2H1 gene. It is expected to result in an absent or disrupted protein product. Loss-of-function variants in DYNC2H1 are known to be pathogenic (PMID: 23339108, 32753734, 33755199). This variant is not present in population databases (gnomAD no frequency). This variant has not been reported in the literature in individuals affected with DYNC2H1-related conditions. For these reasons, this variant has been classified as Pathogenic.

Literature cited by the submitters: PubMed 23339108; PubMed 32753734; PubMed 33755199.